The following is an entry in ClinVar:

NM_000219.6(KCNE1):c.114T>C (p.Ser38=)

Gene: KCNE1 (potassium voltage-gated channel subfamily E regulatory subunit 1; minus strand). Cytogenetic location: 21q22.12.
Variant type: single nucleotide variant.
Coding change: c.114T>C on transcript NM_000219.6 (MANE Select); coding-DNA position 114, T replaced by C.
Protein change: p.Ser38=; no amino-acid change (serine 38 retained).
Molecular consequence: synonymous variant.
Genome position (GRCh38, 1-based): chr21:34,449,521, A>G on the plus strand (T>C on the coding strand, the complement: KCNE1 is on the minus strand). VCF-style: chr21-34449521-A-G. GRCh37 (hg19) VCF-style: chr21-35821819-A-G.
Other names: c.114T>C, p.Ser38= (NM_001127668.4, NM_001127669.4, NM_001127670.4 and 4 more transcripts).
Identifiers: ClinVar variation 3374081 (VCV003374081.2).

Conditions:
Long QT syndrome 5 (LQT5). Identifiers: Orphanet 101016, Orphanet 768, MedGen C1867904, MONDO:0013372, OMIM 613695.

Submission:

Roden Lab, Vanderbilt University Medical Center
No classification provided (evidence only). Condition: Long QT syndrome 5. Review status: no classification provided. Collection method: in vitro. Allele origin: not applicable. Functional consequence: Effect on ion channel function.
ClinVar note: "not provided" was previously submitted as the classification for the variant. However, the classification appeared to be based only on an observation of functional data so it was converted to no classification on 2025-07-30.